The following is an entry in ClinVar:

ClinVar aggregate classification (germline): Conflicting classifications of pathogenicity. Review status: criteria provided, conflicting classifications (1 of 4 stars). 2 submissions from 2 submitters: Uncertain significance (1); Likely benign (1). Last evaluated 2026-01-06.

Allele frequency attached by ClinVar (database versions not stated): gnomAD exomes 0.00050 and 0.00021; ESP Exome Variant Server 0.00129; gnomAD 0.00149 and 0.00143; 1000 Genomes Project 0.00100; 1000 Genomes Project 30x 0.00109; ExAC 0.00048; TOPMed 0.00161.
gnomAD v4.1: 545 of 1,613,966 alleles (0.034%); highest among the groups gnomAD compares: African/African-American, 0.48%; 2 homozygotes.

Submissions (2):

Labcorp Genetics (formerly Invitae), Labcorp
Classification: Likely benign. Last evaluated: 2026-01-06. Review status: criteria provided, single submitter. Criteria: Invitae Variant Classification Sherloc (09022015). Collection method: clinical testing. Allele origin: germline.

GeneDx
Classification: Uncertain significance. Last evaluated: 2020-07-08. Review status: criteria provided, single submitter. Criteria: GeneDx Variant Classification Process June 2021. Collection method: clinical testing. Allele origin: germline. Affected: yes.
Comment: Identified as heterozygous in a patient with disorder of sexual development. No second variant was identified (Hughes et al., 2019).; In silico analysis supports that this missense variant has a deleterious effect on protein structure/function; This variant is associated with the following publications: (PMID: 30668521)

NM_001242908.2(RSPO1):c.658C>T (p.Arg220Trp)

Gene: RSPO1 (R-spondin 1; minus strand). Cytogenetic location: 1p34.3.
Variant type: single nucleotide variant.
Coding change: c.658C>T on transcript NM_001242908.2 (MANE Select); coding-DNA position 658, C replaced by T.
Protein change: p.Arg220Trp; replaces arginine 220 with tryptophan.
Molecular consequence: missense variant.
Genome position (GRCh38, 1-based): chr1:37,612,889, G>A on the plus strand (C>T on the coding strand, the complement: RSPO1 is on the minus strand). VCF-style: chr1-37612889-G-A. GRCh37 (hg19) VCF-style: chr1-38078561-G-A.
Other names: c.658C>T, p.Arg220Trp (NM_001038633.4); c.577C>T, p.Arg193Trp (NM_001242909.2); c.469C>T, p.Arg157Trp (NM_001242910.2); short protein forms R157W, R193W, R220W.
Identifiers: ClinVar variation 707475 (VCV000707475.13), dbSNP rs182482113, ClinGen allele CA772545.
Genomic context (GRCh38, chr1:37,612,889, plus strand): 5'-GAGAGCCAGCACCCGCCTCCTTGCTCTCCTTCCTGGCCAGGTTCCTGTTGGCATTCTCCC[G>A]CCGGCCCTGGCCTCCCTTCCTCCTCTTCTGCCCTGAAACAACCAAACAGCAGGAAGAATC-3'
Protein context (NP_001229837.1, residues 210-230): QKRRKGGQGR[Arg220Trp]ENANRNLARK